The following is an entry in ClinVar:

NM_138393.4(REEP6):c.154T>A (p.Tyr52Asn)

Gene: REEP6 (receptor accessory protein 6; plus strand). Cytogenetic location: 19p13.3.
Variant type: single nucleotide variant.
Coding change: c.154T>A on transcript NM_138393.4 (MANE Select); coding-DNA position 154, T replaced by A.
Protein change: p.Tyr52Asn; replaces tyrosine 52 with asparagine.
Molecular consequence: missense variant.
Genome position (GRCh38, 1-based): chr19:1,495,332, T>A. VCF-style: chr19-1495332-T-A. GRCh37 (hg19) VCF-style: chr19-1495331-T-A.
Other names: c.154T>A, p.Tyr52Asn (NM_001329556.3); short protein forms Y52N.
Identifiers: ClinVar variation 1499365 (VCV001499365.6), dbSNP rs1224966804, ClinGen allele CA403056438.

ClinVar aggregate classification (germline): Uncertain significance (1 of 4 stars; one submission).

Allele frequency attached by ClinVar (database versions not stated): gnomAD exomes below 0.00001.

Submission:

Labcorp Genetics (formerly Invitae), Labcorp
Classification: Uncertain significance. Last evaluated: 2023-07-17. Review status: criteria provided, single submitter. Criteria: Invitae Variant Classification Sherloc (09022015). Collection method: clinical testing. Allele origin: germline.
Comment: In summary, the available evidence is currently insufficient to determine the role of this variant in disease. Therefore, it has been classified as a Variant of Uncertain Significance. Experimental studies and prediction algorithms are not available or were not evaluated, and the functional significance of this variant is currently unknown. ClinVar contains an entry for this variant (Variation ID: 1499365). This variant has not been reported in the literature in individuals affected with REEP6-related conditions. This variant is present in population databases (no rsID available, gnomAD 0.006%). This sequence change replaces tyrosine, which is neutral and polar, with asparagine, which is neutral and polar, at codon 52 of the REEP6 protein (p.Tyr52Asn).